The following is an entry in ClinVar:

ClinVar aggregate classification (germline): Uncertain significance (1 of 4 stars; one submission).

Allele frequency attached by ClinVar (database versions not stated): gnomAD exomes below 0.00001.
gnomAD v4.1: 1 of 1,608,182 alleles (0.000062%); highest among the groups gnomAD compares: South Asian, 0.0011%; no homozygotes.

Submission:

Labcorp Genetics (formerly Invitae), Labcorp
Classification: Uncertain significance. Last evaluated: 2024-11-04. Review status: criteria provided, single submitter. Criteria: Invitae Variant Classification Sherloc (09022015). Collection method: clinical testing. Allele origin: germline.
Comment: This sequence change replaces valine, which is neutral and non-polar, with leucine, which is neutral and non-polar, at codon 610 of the GRIN2D protein (p.Val610Leu). This variant is not present in population databases (gnomAD no frequency). This variant has not been reported in the literature in individuals affected with GRIN2D-related conditions. ClinVar contains an entry for this variant (Variation ID: 2859952). Invitae Evidence Modeling of protein sequence and biophysical properties (such as structural, functional, and spatial information, amino acid conservation, physicochemical variation, residue mobility, and thermodynamic stability) indicates that this missense variant is not expected to disrupt GRIN2D protein function with a negative predictive value of 80%. In summary, the available evidence is currently insufficient to determine the role of this variant in disease. Therefore, it has been classified as a Variant of Uncertain Significance.

NM_000836.4(GRIN2D):c.1828G>C (p.Val610Leu)

Gene: GRIN2D (glutamate ionotropic receptor NMDA type subunit 2D; plus strand). Cytogenetic location: 19q13.33.
Variant type: single nucleotide variant.
Coding change: c.1828G>C on transcript NM_000836.4 (MANE Select); coding-DNA position 1828, G replaced by C.
Protein change: p.Val610Leu; replaces valine 610 with leucine.
Molecular consequence: missense variant.
Genome position (GRCh38, 1-based): chr19:48,419,326, G>C. VCF-style: chr19-48419326-G-C. GRCh37 (hg19) VCF-style: chr19-48922583-G-C.
Other names: short protein forms V610L.
Identifiers: ClinVar variation 2859952 (VCV002859952.3), dbSNP rs2513674827, ClinGen allele CA406697513.
Genomic context (GRCh38, chr19:48,419,326, plus strand): 5'-TTCGTCATGTGCCTCACTGTGGTCGCCGTCACTGTTTTCATCTTCGAGTACCTCAGTCCT[G>C]TTGGTTACAACCGCAGCCTGGCCACGGGCAAGCGTGAGTCCCCCTTCCTCCATCCCCCGC-3'
Protein context (NP_000827.2, residues 600-620): TVFIFEYLSP[Val610Leu]GYNRSLATGK